The following is an entry in ClinVar:

ClinVar aggregate classification (germline): Uncertain significance (1 of 4 stars; one submission).

Conditions:
Ataxia-telangiectasia syndrome (AT). Also called: AT, COMPLEMENTATION GROUP C; Ataxia telangiectasia (A-T); Cerebello-oculocutaneous telangiectasia; Immunodeficiency with ataxia telangiectasia; LOUIS-BAR SYNDROME; Ataxia-telangiectasia. Identifiers: Orphanet 100, MedGen C0004135, MONDO:0008840, OMIM 208900.

Submission:

Labcorp Genetics (formerly Invitae), Labcorp
Classification: Uncertain significance for Ataxia-telangiectasia syndrome. Last evaluated: 2019-07-02. Review status: criteria provided, single submitter. Criteria: Invitae Variant Classification Sherloc (09022015). Collection method: clinical testing. Allele origin: germline.
Comment: This sequence change replaces glutamine with histidine at codon 401 of the ATM protein (p.Gln401His). The glutamine residue is moderately conserved and there is a small physicochemical difference between glutamine and histidine. Algorithms developed to predict the effect of missense changes on protein structure and function are either unavailable or do not agree on the potential impact of this missense change (SIFT: "Deleterious"; PolyPhen-2: "Probably Damaging"; Align-GVGD: "Class C0"). In summary, the available evidence is currently insufficient to determine the role of this variant in disease. Therefore, it has been classified as a Variant of Uncertain Significance. This variant is not present in population databases (ExAC no frequency). This variant has not been reported in the literature in individuals with ATM-related conditions.

NM_000051.4(ATM):c.1203G>T (p.Gln401His)

Gene: ATM (ATM serine/threonine kinase; plus strand). Cytogenetic location: 11q22.3.
Variant type: single nucleotide variant.
Coding change: c.1203G>T on transcript NM_000051.4 (MANE Select); coding-DNA position 1203, G replaced by T.
Protein change: p.Gln401His; replaces glutamine 401 with histidine.
Molecular consequence: missense variant.
Genome position (GRCh38, 1-based): chr11:108,249,070, G>T. VCF-style: chr11-108249070-G-T. GRCh37 (hg19) VCF-style: chr11-108119797-G-T.
Other names: c.1203G>T, p.Gln401His (NM_001351834.2); short protein forms Q401H.
Identifiers: ClinVar variation 960078 (VCV000960078.9), dbSNP rs1214283617, ClinGen allele CA382532600.